The following is an entry in ClinVar:

ClinVar aggregate classification (germline): Benign (1 of 4 stars; one submission).

Allele frequency attached by ClinVar (database versions not stated): gnomAD exomes 0.89002; TOPMed 0.91991; 1000 Genomes Project 0.95208; gnomAD 0.91425; 1000 Genomes Project 30x 0.95315.
gnomAD v4.1: 1,432,787 of 1,605,410 alleles (89%); highest among the groups gnomAD compares: East Asian, 100%; 640,409 homozygotes.

Submission:

Unidad de Genómica Garrahan, Hospital de Pediatría Garrahan
Classification: Benign. Last evaluated: 2024-01-24. Review status: criteria provided, single submitter. Criteria: ACMG Guidelines, 2015. Collection method: clinical testing. Allele origin: germline. Affected: no. Observed: 87 variant alleles.
Comment: This variant is classified as Benign based on local population frequency. This variant was detected in 99% of patients studied by a panel of primary immunodeficiencies. Number of patients: 87. Only high quality variants are reported.

NM_144701.3(IL23R):c.368-59T>C

Gene: IL23R (interleukin 23 receptor; plus strand). Cytogenetic location: 1p31.3.
Variant type: single nucleotide variant.
Coding change: c.368-59T>C on transcript NM_144701.3 (MANE Select); 59 bases into the intron before coding-DNA position 368, T replaced by C.
Molecular consequence: intron variant.
Genome position (GRCh38, 1-based): chr1:67,182,777, T>C. VCF-style: chr1-67182777-T-C. GRCh37 (hg19) VCF-style: chr1-67648460-T-C.
Identifiers: ClinVar variation 2688370 (VCV002688370.2), dbSNP rs6687620, ClinGen allele CA10675304.
Genomic context (GRCh38, chr1:67,182,777, plus strand): 5'-TCTGCATCATTCACGCTGGGAGCTGTAGACTGGAGCTGTTCCTATTCAGCCATCTTGGCT[T>C]GGGACCAGAGAACTTCGTATTTCTTACAGCACCTCCTAAGTGTTATGTTTTGTTGCAGAT-3'